The following is an entry in ClinVar:

NM_138792.4(LEO1):c.1411C>A (p.Leu471Ile)

Gene: LEO1 (LEO1 component of Paf1/RNA polymerase II complex; minus strand). Cytogenetic location: 15q21.2.
Variant type: single nucleotide variant.
Coding change: c.1411C>A on transcript NM_138792.4 (MANE Select); coding-DNA position 1411, C replaced by A.
Protein change: p.Leu471Ile; replaces leucine 471 with isoleucine.
Molecular consequence: missense variant.
Genome position (GRCh38, 1-based): chr15:51,953,193, G>T on the plus strand (C>A on the coding strand, the complement: LEO1 is on the minus strand). VCF-style: chr15-51953193-G-T. GRCh37 (hg19) VCF-style: chr15-52245390-G-T.
Other names: c.1231C>A, p.Leu411Ile (NM_001286430.2); c.1411C>A, p.Leu471Ile (NM_001323903.2, NM_001323904.2, NM_001426597.1 and 1 more transcripts); short protein forms L411I, L471I.
Identifiers: ClinVar variation 3342912 (VCV003342912.2).
Genomic context (GRCh38, chr15:51,953,193, plus strand): 5'-AGGTGAGTTTCGTTTTAAAGACTGCTTGTCCCTGTAGACCAGTACCTTGTCTTATAAAAA[G>T]ATGATTGTGGTCGCCCTGCAGTGGGGCTTTGTACACATCAAACACTTCATTGCCTAAATG-3'
Protein context (NP_620147.1, residues 461-481): KAPLQGDHNH[Leu471Ile]FIRQGTGLQG

ClinVar aggregate classification (germline): Likely pathogenic (1 of 4 stars; one submission).

Submission:

GeneDx
Classification: Likely pathogenic. Last evaluated: 2025-09-11. Review status: criteria provided, single submitter. Criteria: GeneDx Variant Classification Process June 2021. Collection method: clinical testing. Allele origin: germline.
Comment: Not observed at significant frequency in large population cohorts (gnomAD); In silico analysis suggests that this missense variant does not alter protein structure/function; This variant is associated with the following publications: (PMID: 38965372)